The following is an entry in ClinVar:

ClinVar aggregate classification (germline): Conflicting classifications of pathogenicity. Review status: criteria provided, conflicting classifications (1 of 4 stars). 2 submissions from 2 submitters: Uncertain significance (1); Likely benign (1). Last evaluated 2020-12-31.

Allele frequency attached by ClinVar (database versions not stated): gnomAD exomes below 0.00001.

Submissions (2):

Blueprint Genetics
Classification: Uncertain significance. Last evaluated: 2020-12-31. Review status: criteria provided, single submitter. Criteria: ACMG Guidelines, 2015. Collection method: clinical testing. Allele origin: germline.

GeneDx
Classification: Likely benign. Last evaluated: 2017-06-20. Review status: criteria provided, single submitter. Criteria: GeneDx Variant Classification (06012015). Collection method: clinical testing. Allele origin: germline. Affected: yes.
Comment: This variant is considered likely benign or benign based on one or more of the following criteria: it is a conservative change, it occurs at a poorly conserved position in the protein, it is predicted to be benign by multiple in silico algorithms, and/or has population frequency not consistent with disease.

NM_005198.5(CHKB):c.1031+15G>A

Genes: CHKB (choline kinase beta; minus strand), CHKB-CPT1B (CHKB-CPT1B readthrough (NMD candidate); minus strand). Cytogenetic location: 22q13.33.
Variant type: single nucleotide variant.
Coding change: c.1031+15G>A on transcript NM_005198.5 (MANE Select); 15 bases into the intron after coding-DNA position 1031, G replaced by A.
Molecular consequence: intron variant.
Genome position (GRCh38, 1-based): chr22:50,579,712, C>T on the plus strand (G>A on the coding strand, the complement: CHKB is on the minus strand). VCF-style: chr22-50579712-C-T. GRCh37 (hg19) VCF-style: chr22-51018141-C-T.
Identifiers: ClinVar variation 510228 (VCV000510228.2), dbSNP rs1555894326, ClinGen allele CA658799577.